The following is an entry in ClinVar:

ClinVar aggregate classification (germline): Pathogenic (1 of 4 stars; one submission).

Conditions:
Diamond-Blackfan anemia. Also called: Blackfan Diamond syndrome; Aregenerative anemia chronic congenital; Red cell aplasia, pure hereditary; Congenital hypoplastic anemia; Aase syndrome. Identifiers: Orphanet 124, MedGen C1260899, MeSH D029503, MONDO:0015253, HP:0004810.

Submission:

Bertuch Lab, Baylor College of Medicine
Classification: Pathogenic for Diamond-Blackfan anemia. Review status: criteria provided, single submitter. Criteria: ACMG Guidelines, 2015. Collection method: clinical testing, in vitro. Allele origin: de novo, not applicable. Inheritance: Sporadic. Affected: yes. Observed: 1 heterozygote. Functional consequence: protein loss of function.
Comment: RPS20 is a component of the ribosome, which is central in the pathogenesis of DBA. The mutated residue, p.I84, is located within a highly evolutionarily conserved motif [R(I/V/T)HKR] and within a positively charged pocket. The pI84N mutation destabilizes the RPS20 protein, as levels of transiently overexpressed mutant RPS20 were markedly reduced relative to the wild type control, and RPS20 protein from the proband was similarly reduced relative to that of his father or sibling. Lymphoblastoid cells bearing the RPS20 p.I84N variant exhibited a ribosome and polysome profile and increased 28S/18S rRNA ratio consistent with a defect in the 40S ribosome subunit. Yeast bearing mutations of the cognate residue showed growth, ribosome biogenesis, and polysome defects, indicating an impairment of translation. In silico analyses from numerous predictions tools were consistent with the mutation being damaging and disease causing. In summary, this variant has strong evidence for being pathogenic according to ACMG 2015 guidelines and functional data and allelic data.

Literature cited by the submitters: PubMed 32790018.

NM_001023.4(RPS20):c.251T>A (p.Ile84Asn)

Gene: RPS20 (ribosomal protein S20; minus strand). Cytogenetic location: 8q12.1.
Variant type: single nucleotide variant.
Coding change: c.251T>A on transcript NM_001023.4 (MANE Select); coding-DNA position 251, T replaced by A.
Protein change: p.Ile84Asn; replaces isoleucine 84 with asparagine.
Molecular consequence: missense variant.
Genome position (GRCh38, 1-based): chr8:56,073,199, A>T on the plus strand (T>A on the coding strand, the complement: RPS20 is on the minus strand). VCF-style: chr8-56073199-A-T. GRCh37 (hg19) VCF-style: chr8-56985758-A-T.
Other names: c.251T>A, p.Ile84Asn (NM_001146227.3); short protein forms I84N.
Identifiers: ClinVar variation 981188 (VCV000981188.4), dbSNP rs1809815205, ClinGen allele CA371282993.
Genomic context (GRCh38, chr8:56,073,199, plus strand): 5'-ATGGAAGTAATCTGCTTAACAATCTCAGAAGGACTGTGCAAGTCAATGAGTCGCTTGTGA[A>T]TTCTCATCTGGAAACGATCCCACGTCTTAGAACCTTCACCACAAGGAGTTTTTCTTGTAG-3'
Protein context (NP_001014.1, residues 74-94): SKTWDRFQMR[Ile84Asn]HKRLIDLHSP